The following is an entry in ClinVar:

NM_032578.4(MYPN):c.121C>T (p.Pro41Ser)

Gene: MYPN (myopalladin; plus strand). Cytogenetic location: 10q21.3.
Variant type: single nucleotide variant.
Coding change: c.121C>T on transcript NM_032578.4 (MANE Select); coding-DNA position 121, C replaced by T.
Protein change: p.Pro41Ser; replaces proline 41 with serine.
Molecular consequence: missense variant. On other transcripts: non-coding transcript variant (1), 5 prime UTR variant (1).
Genome position (GRCh38, 1-based): chr10:68,121,559, C>T. VCF-style: chr10-68121559-C-T. GRCh37 (hg19) VCF-style: chr10-69881316-C-T.
Other names: c.121C>T, p.Pro41Ser (NM_001256267.2); c.-1002C>T (NM_001256268.2); short protein forms P41S.
Identifiers: ClinVar variation 519049 (VCV000519049.11), dbSNP rs759400657, ClinGen allele CA209185512.
Genomic context (GRCh38, chr10:68,121,559, plus strand): 5'-TTAGCTGAAACCAGACATCGGGGAAACAATGAGAGGAGTCGAGCGGAGCCCTCCTCCAAC[C>T]CTTGCCATTTCGGCAGTCCTTCTGGGGCCGCTGAAGGAGGCGGAGGCCAAGATGACCTTC-3'
Protein context (NP_115967.2, residues 31-51): ERSRAEPSSN[Pro41Ser]CHFGSPSGAA

ClinVar aggregate classification (germline): Uncertain significance. Review status: criteria provided, multiple submitters, no conflicts (2 of 4 stars). 2 submissions from 2 submitters: Uncertain significance (2). Last evaluated 2024-01-02.

Conditions:
Dilated cardiomyopathy 1KK (CMD1KK). Identifiers: Orphanet 154, Orphanet 75249, MedGen C3714995, MONDO:0014100, OMIM 615248.
Cardiovascular phenotype. Identifiers: MedGen CN230736.

Allele frequency attached by ClinVar (database versions not stated): gnomAD 0.00001; TOPMed 0.00001.
gnomAD v4.1: 3 of 1,614,092 alleles (0.00019%); highest among the groups gnomAD compares: Non-Finnish European, 0.00025%; no homozygotes.

Submissions (2):

Labcorp Genetics (formerly Invitae), Labcorp
Classification: Uncertain significance for Dilated cardiomyopathy 1KK. Last evaluated: 2024-01-02. Review status: criteria provided, single submitter. Criteria: Invitae Variant Classification Sherloc (09022015). Collection method: clinical testing. Allele origin: germline.
Comment: This sequence change replaces proline, which is neutral and non-polar, with serine, which is neutral and polar, at codon 41 of the MYPN protein (p.Pro41Ser). This variant is present in population databases (no rsID available, gnomAD 0.0009%). This variant has not been reported in the literature in individuals affected with MYPN-related conditions. ClinVar contains an entry for this variant (Variation ID: 519049). Algorithms developed to predict the effect of missense changes on protein structure and function output the following: SIFT: "Not Available"; PolyPhen-2: "Benign"; Align-GVGD: "Not Available". The serine amino acid residue is found in multiple mammalian species, which suggests that this missense change does not adversely affect protein function. In summary, the available evidence is currently insufficient to determine the role of this variant in disease. Therefore, it has been classified as a Variant of Uncertain Significance.

Ambry Genetics
Classification: Uncertain significance for Cardiovascular phenotype. Last evaluated: 2017-12-12. Review status: criteria provided, single submitter. Criteria: Ambry Variant Classification Scheme 2023. Collection method: clinical testing. Allele origin: germline.
Comment: The p.P41S variant (also known as c.121C>T), located in coding exon 1 of the MYPN gene, results from a C to T substitution at nucleotide position 121. The proline at codon 41 is replaced by serine, an amino acid with similar properties. This amino acid position is not well conserved in available vertebrate species, and serine is the reference amino acid in other vertebrate species. In addition, this alteration is predicted to be tolerated by in silico analysis. Since supporting evidence is limited at this time, the clinical significance of this alteration remains unclear.